The following is an entry in ClinVar:

NM_005514.8(HLA-B):c.489G>A (p.Ala163=)

Gene: HLA-B (major histocompatibility complex, class I, B; minus strand). Cytogenetic location: 6p21.33.
Variant type: single nucleotide variant.
Coding change: c.489G>A on transcript NM_005514.8 (MANE Select); coding-DNA position 489, G replaced by A.
Protein change: p.Ala163=; no amino-acid change (alanine 163 retained).
Molecular consequence: synonymous variant.
Genome position (GRCh38, 1-based): chr6:31,356,297, C>T on the plus strand (G>A on the coding strand, the complement: HLA-B is on the minus strand). VCF-style: chr6-31356297-C-T. GRCh37 (hg19) VCF-style: chr6-31324074-C-T.
Identifiers: ClinVar variation 3025088 (VCV003025088.22), dbSNP rs41562716, ClinGen allele CA3711560.

ClinVar aggregate classification (germline): Likely benign (1 of 4 stars; one submission).

Allele frequency attached by ClinVar (database versions not stated): gnomAD 0.00026; gnomAD exomes 0.00029; ESP Exome Variant Server 0.00016; 1000 Genomes Project 0.00040; 1000 Genomes Project 30x 0.00047; ExAC 0.00051.
gnomAD v4.1: 387 of 1,368,552 alleles (0.028%); highest among the groups gnomAD compares: South Asian, 0.078%; 10 homozygotes.

Submission:

CeGaT Center for Human Genetics Tuebingen
Classification: Likely benign. Last evaluated: 2026-07-01. Review status: criteria provided, single submitter. Criteria: CeGaT Center For Human Genetics Tuebingen Variant Classification Criteria Version 2. Collection method: clinical testing. Allele origin: germline. Affected: yes. Observed: 2 variant alleles.
Comment: HLA-B: BP4, BP7